The following is an entry in ClinVar:

NM_002386.4(MC1R):c.67C>A (p.Gln23Lys)

Gene: MC1R (melanocortin 1 receptor; plus strand). Cytogenetic location: 16q24.3.
Variant type: single nucleotide variant.
Coding change: c.67C>A on transcript NM_002386.4 (MANE Select); coding-DNA position 67, C replaced by A.
Protein change: p.Gln23Lys; replaces glutamine 23 with lysine.
Molecular consequence: missense variant.
Genome position (GRCh38, 1-based): chr16:89,919,325, C>A. VCF-style: chr16-89919325-C-A. GRCh37 (hg19) VCF-style: chr16-89985733-C-A.
Other names: short protein forms Q23K.
Identifiers: ClinVar variation 4052435 (VCV004052435.1).

ClinVar aggregate classification (germline): Uncertain significance (1 of 4 stars; one submission).

Submission:

Ambry Genetics
Classification: Uncertain significance. Last evaluated: 2025-05-26. Review status: criteria provided, single submitter. Criteria: Ambry Variant Classification Scheme 2023. Collection method: clinical testing. Allele origin: germline.
Comment: The p.Q23K variant (also known as c.67C>A), located in coding exon 1 of the MC1R gene, results from a C to A substitution at nucleotide position 67. The glutamine at codon 23 is replaced by lysine, an amino acid with similar properties. This amino acid position is conserved. In addition, this alteration is predicted to be tolerated by in silico analysis. Based on the available evidence, the clinical significance of this variant remains unclear.